The following is an entry in ClinVar:

ClinVar aggregate classification (germline): Uncertain significance (1 of 4 stars; one submission).

Submission:

GeneDx
Classification: Uncertain significance. Last evaluated: 2024-03-05. Review status: criteria provided, single submitter. Criteria: GeneDx Variant Classification Process June 2021. Collection method: clinical testing. Allele origin: germline. Affected: yes.
Comment: Not observed at significant frequency in large population cohorts (gnomAD); In silico analysis supports that this missense variant has a deleterious effect on protein structure/function; Has not been previously published as pathogenic or benign to our knowledge

NM_001792.5(CDH2):c.251A>T (p.Asp84Val)

Gene: CDH2 (cadherin 2; minus strand). Cytogenetic location: 18q12.1.
Variant type: single nucleotide variant.
Coding change: c.251A>T on transcript NM_001792.5 (MANE Select); coding-DNA position 251, A replaced by T.
Protein change: p.Asp84Val; replaces aspartic acid 84 with valine.
Molecular consequence: missense variant.
Genome position (GRCh38, 1-based): chr18:28,013,831, T>A on the plus strand (A>T on the coding strand, the complement: CDH2 is on the minus strand). VCF-style: chr18-28013831-T-A. GRCh37 (hg19) VCF-style: chr18-25593795-T-A.
Other names: c.158A>T, p.Asp53Val (NM_001308176.2); short protein forms D53V, D84V.
Identifiers: ClinVar variation 3373623 (VCV003373623.1).
Genomic context (GRCh38, chr18:28,013,831, plus strand): 5'-ATCAGGAACTTGGCATGCTCAGAAGAGAGTGGAAAGCTTCTCACGGCATACACCATGCCA[T>A]CTTCATCCACCTTAAAATCTGCAGGCTCACTGCTCTCATATTGTACTTTTCTTTTTCCAT-3'
Protein context (NP_001783.2, residues 74-94): SEPADFKVDE[Asp84Val]GMVYAVRSFP